The following is an entry in ClinVar:

NM_024757.5(EHMT1):c.485G>T (p.Gly162Val)

Gene: EHMT1 (euchromatic histone lysine methyltransferase 1; plus strand). Cytogenetic location: 9q34.3.
Variant type: single nucleotide variant.
Coding change: c.485G>T on transcript NM_024757.5 (MANE Select); coding-DNA position 485, G replaced by T.
Protein change: p.Gly162Val; replaces glycine 162 with valine.
Molecular consequence: missense variant.
Genome position (GRCh38, 1-based): chr9:137,717,025, G>T. VCF-style: chr9-137717025-G-T. GRCh37 (hg19) VCF-style: chr9-140611477-G-T.
Other names: c.485G>T, p.Gly162Val (NM_001145527.2, NM_001354263.2, NM_001354611.2); c.392G>T, p.Gly131Val (NM_001354259.2, NM_001354612.2); c.485G>T (NM_024757.4); short protein forms G131V, G162V.
Identifiers: ClinVar variation 1037956 (VCV001037956.9), dbSNP rs769036698, ClinGen allele CA5374319.

ClinVar aggregate classification (germline): Conflicting classifications of pathogenicity. Review status: criteria provided, conflicting classifications (1 of 4 stars). 2 submissions from 2 submitters: Uncertain significance (1); Likely benign (1). Last evaluated 2025-05-18.

Conditions:
Kleefstra syndrome 1 (KLEFS1). Identifiers: Orphanet 261494, MedGen C0795833, MONDO:0027407, OMIM 610253.

Allele frequency attached by ClinVar (database versions not stated): gnomAD exomes below 0.00001; ExAC 0.00001; gnomAD 0.00004; TOPMed 0.00002.
gnomAD v4.1: 8 of 1,606,682 alleles (0.0005%); highest among the groups gnomAD compares: African/African-American, 0.011%; no homozygotes.

Submissions (2):

Labcorp Genetics (formerly Invitae), Labcorp
Classification: Likely benign for Kleefstra syndrome 1. Last evaluated: 2025-05-18. Review status: criteria provided, single submitter. Criteria: Invitae Variant Classification Sherloc (09022015). Collection method: clinical testing. Allele origin: germline.

GeneDx
Classification: Uncertain significance. Last evaluated: 2023-01-13. Review status: criteria provided, single submitter. Criteria: GeneDx Variant Classification Process June 2021. Collection method: clinical testing. Allele origin: germline. Affected: yes.
Comment: In silico analysis supports that this missense variant does not alter protein structure/function; Has not been previously published as pathogenic or benign to our knowledge